The following is an entry in ClinVar:

NM_033409.4(SLC52A3):c.936G>A (p.Ala312=)

Gene: SLC52A3 (solute carrier family 52 member 3; minus strand). Cytogenetic location: 20p13.
Variant type: single nucleotide variant.
Coding change: c.936G>A on transcript NM_033409.4 (MANE Select); coding-DNA position 936, G replaced by A.
Protein change: p.Ala312=; no amino-acid change (alanine 312 retained).
Molecular consequence: synonymous variant.
Genome position (GRCh38, 1-based): chr20:763,635, C>T on the plus strand (G>A on the coding strand, the complement: SLC52A3 is on the minus strand). VCF-style: chr20-763635-C-T. GRCh37 (hg19) VCF-style: chr20-744279-C-T.
Other names: p.Ala312=; c.936G>A, p.Ala312= (NM_001370085.1, NM_001370086.1).
Identifiers: ClinVar variation 476618 (VCV000476618.22), dbSNP rs6054602, ClinGen allele CA9724645.

ClinVar aggregate classification (germline): Benign/Likely benign. Review status: criteria provided, multiple submitters, no conflicts (2 of 4 stars). 7 submissions from 7 submitters: Benign (1); Likely benign (5). 1 of the submissions does not count toward it. Last evaluated 2026-02-01.

Conditions:
SLC52A3-related disorder. Also called: SLC52A3-related condition.
Brown-Vialetto-van Laere syndrome 1. Also called: BROWN-VIALETTO-VAN LAERE SYNDROME 1, MILD; BULBAR PALSY, PROGRESSIVE, WITH SENSORINEURAL DEAFNESS; PONTOBULBAR PALSY WITH DEAFNESS. Identifiers: Orphanet 572550, Orphanet 97229, MedGen C0796274, MONDO:0024537, OMIM 211530.
Inborn genetic diseases. Identifiers: MedGen C0950123, MeSH D030342.

Allele frequency attached by ClinVar (database versions not stated): gnomAD exomes 0.00023; TOPMed 0.00092; ESP Exome Variant Server 0.00115; ExAC 0.00031; gnomAD 0.00076 and 0.00077; 1000 Genomes Project 0.00080; 1000 Genomes Project 30x 0.00062.
gnomAD v4.1: 360 of 1,614,160 alleles (0.022%); highest among the groups gnomAD compares: African/African-American, 0.29%; no homozygotes.

Submissions (7):

CeGaT Center for Human Genetics Tuebingen
Classification: Likely benign. Last evaluated: 2026-02-01. Review status: criteria provided, single submitter. Criteria: CeGaT Center For Human Genetics Tuebingen Variant Classification Criteria Version 2. Collection method: clinical testing. Allele origin: germline. Affected: yes. Observed: 1 variant allele.
Comment: SLC52A3: BP4, BP7

Labcorp Genetics (formerly Invitae), Labcorp
Classification: Benign for Brown-Vialetto-van Laere syndrome 1. Last evaluated: 2026-01-24. Review status: criteria provided, single submitter. Criteria: Invitae Variant Classification Sherloc (09022015). Collection method: clinical testing. Allele origin: germline.

Mayo Clinic Laboratories, Mayo Clinic
Classification: Likely benign. Last evaluated: 2024-12-30. Review status: criteria provided, single submitter. Criteria: ACMG Guidelines, 2015. Collection method: clinical testing. Allele origin: germline. Observed: 2 variant alleles.
Comment: BS1, BP4, BP7

Blueprint Genetics
Classification: Likely benign. Last evaluated: 2024-11-27. Review status: criteria provided, single submitter. Criteria: ACMG Guidelines, 2015. Collection method: clinical testing. Allele origin: germline.

GeneDx
Classification: Likely benign. Last evaluated: 2020-12-16. Review status: criteria provided, single submitter. Criteria: GeneDx Variant Classification Process June 2021. Collection method: clinical testing. Allele origin: germline. Affected: yes.

Ambry Genetics
Classification: Likely benign for Inborn genetic diseases. Last evaluated: 2019-07-11. Review status: criteria provided, single submitter. Criteria: Ambry Variant Classification Scheme 2023. Collection method: clinical testing. Allele origin: germline.

PreventionGenetics, part of Exact Sciences
Classification: Likely benign for SLC52A3-related condition. Last evaluated: 2024-03-04. Review status: no assertion criteria provided. Collection method: clinical testing. Allele origin: germline. Not counted in ClinVar's aggregate classification.
Comment: This variant is classified as likely benign based on ACMG/AMP sequence variant interpretation guidelines (Richards et al. 2015 PMID: 25741868, with internal and published modifications).